The following is an entry in ClinVar:

NM_001283009.2(RTEL1):c.169C>A (p.Leu57Met)

Genes: RTEL1 (regulator of telomere elongation helicase 1; plus strand), RTEL1-TNFRSF6B (RTEL1-TNFRSF6B readthrough (NMD candidate); plus strand). Cytogenetic location: 20q13.33.
Variant type: single nucleotide variant.
Coding change: c.169C>A on transcript NM_001283009.2 (MANE Select); coding-DNA position 169, C replaced by A.
Protein change: p.Leu57Met; replaces leucine 57 with methionine.
Molecular consequence: missense variant. On other transcripts: non-coding transcript variant (1), 5 prime UTR variant (1).
Genome position (GRCh38, 1-based): chr20:63,661,364, C>A. VCF-style: chr20-63661364-C-A. GRCh37 (hg19) VCF-style: chr20-62292717-C-A.
Other names: c.-501C>A (NM_001283010.1); c.169C>A, p.Leu57Met (NM_016434.4, NM_032957.5); short protein forms L57M.
Identifiers: ClinVar variation 4629540 (VCV004629540.1).
Genomic context (GRCh38, chr20:63,661,364, plus strand): 5'-AATGGCATCCTGGAGAGCCCTACGGGTACAGGGAAGACGCTGTGCCTGCTGTGCACCACG[C>A]TGGCCTGGCGAGAACACCTCCGAGACGGCATCTCTGCCCGCAAGATTGCCGAGAGGGCGC-3'
Protein context (NP_001269938.1, residues 47-67): GKTLCLLCTT[Leu57Met]AWREHLRDGI

ClinVar aggregate classification (germline): Uncertain significance (1 of 4 stars; one submission).

Conditions:
Inborn genetic diseases. Identifiers: MedGen C0950123, MeSH D030342.

gnomAD v4.1: 2 of 1,613,670 alleles (0.00012%); highest among the groups gnomAD compares: East Asian, 0.0045%; no homozygotes.

Submission:

Ambry Genetics
Classification: Uncertain significance for Inborn genetic diseases. Last evaluated: 2025-10-13. Review status: criteria provided, single submitter. Criteria: Ambry Variant Classification Scheme 2023. Collection method: clinical testing. Allele origin: germline.
Comment: The p.L57M variant (also known as c.169C>A), located in coding exon 2 of the RTEL1 gene, results from a C to A substitution at nucleotide position 169. The leucine at codon 57 is replaced by methionine, an amino acid with highly similar properties. This amino acid position is conserved. In addition, the in silico prediction for this alteration is inconclusive. Based on the available evidence, the clinical significance of this variant remains unclear.